The following is an entry in ClinVar:

NM_030962.4(SBF2):c.161G>A (p.Trp54Ter)

Gene: SBF2 (SET binding factor 2; minus strand). Cytogenetic location: 11p15.4.
Variant type: single nucleotide variant.
Coding change: c.161G>A on transcript NM_030962.4 (MANE Select); coding-DNA position 161, G replaced by A.
Protein change: p.Trp54Ter; replaces tryptophan 54 with a stop codon.
Molecular consequence: nonsense.
Genome position (GRCh38, 1-based): chr11:10,042,962, C>T on the plus strand (G>A on the coding strand, the complement: SBF2 is on the minus strand). VCF-style: chr11-10042962-C-T. GRCh37 (hg19) VCF-style: chr11-10064509-C-T.
Other names: c.161G>A, p.Trp54Ter (NM_001386339.1, NM_001386342.1); short protein forms W54*.
Identifiers: ClinVar variation 982777 (VCV000982777.3), dbSNP rs1166873755, ClinGen allele CA379644041.

ClinVar aggregate classification (germline): Likely pathogenic (1 of 4 stars; one submission).

Conditions:
Charcot-Marie-Tooth disease type 4B2. Also called: CMT 4B2; Charcot-Marie-Tooth Neuropathy Type 4B2; CHARCOT-MARIE-TOOTH DISEASE, WITH FOCALLY FOLDED MYELIN SHEATHS, AUTOSOMAL RECESSIVE, TYPE 4B2; CHARCOT-MARIE-TOOTH DISEASE, DEMYELINATING, TYPE 4B2. Identifiers: Orphanet 99956, MedGen C1858278, MONDO:0011475, OMIM 604563.

Allele frequency attached by ClinVar (database versions not stated): TOPMed below 0.00001; gnomAD exomes 0.00001.
gnomAD v4.1: 5 of 1,613,628 alleles (0.00031%); highest among the groups gnomAD compares: Non-Finnish European, 0.00042%; no homozygotes.

Submission:

Institute of Human Genetics, University of Leipzig Medical Center
Classification: Likely pathogenic for Charcot-Marie-Tooth disease type 4B2. Last evaluated: 2019-05-09. Review status: criteria provided, single submitter. Criteria: ACMG Guidelines, 2015. Collection method: clinical testing. Allele origin: unknown. Inheritance: Autosomal recessive inheritance. Affected: yes.
Comment: Criteria applied: PVS1, PM2_SUP